The following is an entry in ClinVar:

ClinVar aggregate classification (germline): Uncertain significance (1 of 4 stars; one submission).

Allele frequency attached by ClinVar (database versions not stated): gnomAD exomes 0.00001.
gnomAD v4.1: 11 of 1,581,808 alleles (0.0007%); highest among the groups gnomAD compares: Non-Finnish European, 0.00094%; no homozygotes.

Submission:

CeGaT Center for Human Genetics Tuebingen
Classification: Uncertain significance. Last evaluated: 2023-02-01. Review status: criteria provided, single submitter. Criteria: CeGaT Center For Human Genetics Tuebingen Variant Classification Criteria Version 2. Collection method: clinical testing. Allele origin: germline. Affected: yes. Observed: 1 variant allele.
Comment: TTN: PM2, BP4

NM_001267550.2(TTN):c.40334T>G (p.Leu13445Arg)

Gene: TTN (titin; minus strand). Cytogenetic location: 2q31.2.
Variant type: single nucleotide variant.
Coding change: c.40334T>G on transcript NM_001267550.2 (MANE Select); coding-DNA position 40334, T replaced by G.
Protein change: p.Leu13445Arg; replaces leucine 13445 with arginine.
Molecular consequence: missense variant. On other transcripts: intron variant (3).
Genome position (GRCh38, 1-based): chr2:178,645,994, A>C on the plus strand (T>G on the coding strand, the complement: TTN is on the minus strand). VCF-style: chr2-178645994-A-C. GRCh37 (hg19) VCF-style: chr2-179510721-A-C.
Other names: c.35411T>G, p.Leu11804Arg (NM_001256850.1); c.32630T>G, p.Leu10877Arg (NM_133378.4); c.13283-3677T>G (NM_003319.4); c.13859-3677T>G (NM_133437.4); c.13658-3677T>G (NM_133432.3); short protein forms L10877R, L11804R, L13445R.
Identifiers: ClinVar variation 2651647 (VCV002651647.24), dbSNP rs2472057455, ClinGen allele CA349439287.
Genomic context (GRCh38, chr2:178,645,994, plus strand): 5'-ATTTTCTCCTTCACATCTTCCTTAGGTGGAGCAGGTGGAGGAGGTGGGGGTCTTGGTTTG[A>C]GTTTTGGCTTCTCAATAACCTTTTCAGGTTCAGGTTCTTGAAAGAGTATTTCAGAGGTGT-3'
Protein context (NP_001254479.2, residues 13435-13455): EPEKVIEKPK[Leu13445Arg]KPRPPPPPPA